The following is an entry in ClinVar:

ClinVar aggregate classification (germline): Uncertain significance (1 of 4 stars; one submission).

Conditions:
Brody myopathy. Also called: BRODY DISEASE. Identifiers: Orphanet 53347, MedGen C1832918, MONDO:0010977, OMIM 601003.

Submission:

Labcorp Genetics (formerly Invitae), Labcorp
Classification: Uncertain significance for Brody myopathy. Last evaluated: 2022-08-21. Review status: criteria provided, single submitter. Criteria: Invitae Variant Classification Sherloc (09022015). Collection method: clinical testing. Allele origin: germline.
Comment: This sequence change replaces valine, which is neutral and non-polar, with leucine, which is neutral and non-polar, at codon 271 of the ATP2A1 protein (p.Val271Leu). This variant is not present in population databases (gnomAD no frequency). This variant has not been reported in the literature in individuals affected with ATP2A1-related conditions. Algorithms developed to predict the effect of missense changes on protein structure and function are either unavailable or do not agree on the potential impact of this missense change (SIFT: "Deleterious"; PolyPhen-2: "Probably Damaging"; Align-GVGD: "Class C0"). In summary, the available evidence is currently insufficient to determine the role of this variant in disease. Therefore, it has been classified as a Variant of Uncertain Significance.

NM_004320.6(ATP2A1):c.811G>C (p.Val271Leu)

Gene: ATP2A1 (ATPase sarcoplasmic/endoplasmic reticulum Ca2+ transporting 1; plus strand). Cytogenetic location: 16p11.2.
Variant type: single nucleotide variant.
Coding change: c.811G>C on transcript NM_004320.6 (MANE Select); coding-DNA position 811, G replaced by C.
Protein change: p.Val271Leu; replaces valine 271 with leucine.
Molecular consequence: missense variant.
Genome position (GRCh38, 1-based): chr16:28,887,605, G>C. VCF-style: chr16-28887605-G-C. GRCh37 (hg19) VCF-style: chr16-28898926-G-C.
Other names: c.436G>C, p.Val146Leu (NM_001286075.2); c.811G>C, p.Val271Leu (NM_173201.5); short protein forms V146L, V271L.
Identifiers: ClinVar variation 2011254 (VCV002011254.1), dbSNP rs2506283208, ClinGen allele CA395404009.